The following is an entry in ClinVar:

ClinVar aggregate classification (germline): Uncertain significance. Review status: criteria provided, multiple submitters, no conflicts (2 of 4 stars). 2 submissions from 2 submitters: Uncertain significance (2). Last evaluated 2022-07-21.

Allele frequency attached by ClinVar (database versions not stated): ExAC 0.00001; gnomAD 0.00001; gnomAD exomes 0.00002; 1000 Genomes Project 0.00020; 1000 Genomes Project 30x 0.00031.
gnomAD v4.1: 31 of 1,593,676 alleles (0.0019%); highest among the groups gnomAD compares: Non-Finnish European, 0.0027%; no homozygotes.

Submissions (2):

Labcorp Genetics (formerly Invitae), Labcorp
Classification: Uncertain significance. Last evaluated: 2022-07-21. Review status: criteria provided, single submitter. Criteria: Invitae Variant Classification Sherloc (09022015). Collection method: clinical testing. Allele origin: germline.
Comment: This sequence change replaces glycine, which is neutral and non-polar, with glutamic acid, which is acidic and polar, at codon 783 of the PTPN23 protein (p.Gly783Glu). This variant is present in population databases (rs200557594, gnomAD 0.002%). This variant has not been reported in the literature in individuals affected with PTPN23-related conditions. Algorithms developed to predict the effect of missense changes on protein structure and function are either unavailable or do not agree on the potential impact of this missense change (SIFT: "Tolerated"; PolyPhen-2: "Not Available"; Align-GVGD: "Class C0"). In summary, the available evidence is currently insufficient to determine the role of this variant in disease. Therefore, it has been classified as a Variant of Uncertain Significance.

GeneDx
Classification: Uncertain significance. Last evaluated: 2022-06-13. Review status: criteria provided, single submitter. Criteria: GeneDx Variant Classification Process June 2021. Collection method: clinical testing. Allele origin: germline. Affected: yes.
Comment: Not observed at significant frequency in large population cohorts (gnomAD); In silico analysis supports that this missense variant does not alter protein structure/function; Has not been previously published as pathogenic or benign to our knowledge

NM_015466.4(PTPN23):c.2348G>A (p.Gly783Glu)

Gene: PTPN23 (protein tyrosine phosphatase non-receptor type 23; plus strand). Cytogenetic location: 3p21.31.
Variant type: single nucleotide variant.
Coding change: c.2348G>A on transcript NM_015466.4 (MANE Select); coding-DNA position 2348, G replaced by A.
Protein change: p.Gly783Glu; replaces glycine 783 with glutamic acid.
Molecular consequence: missense variant.
Genome position (GRCh38, 1-based): chr3:47,410,146, G>A. VCF-style: chr3-47410146-G-A. GRCh37 (hg19) VCF-style: chr3-47451636-G-A.
Other names: c.1970G>A, p.Gly657Glu (NM_001304482.2); short protein forms G657E, G783E.
Identifiers: ClinVar variation 1804345 (VCV001804345.3), dbSNP rs200557594, ClinGen allele CA2366009.